The following is an entry in ClinVar:

NM_001005273.3(CHD3):c.2653G>A (p.Ala885Thr)

Gene: CHD3 (chromodomain helicase DNA binding protein 3; plus strand). Cytogenetic location: 17p13.1.
Variant type: single nucleotide variant.
Coding change: c.2653G>A on transcript NM_001005273.3 (MANE Select); coding-DNA position 2653, G replaced by A.
Protein change: p.Ala885Thr; replaces alanine 885 with threonine.
Molecular consequence: missense variant.
Genome position (GRCh38, 1-based): chr17:7,900,004, G>A. VCF-style: chr17-7900004-G-A. GRCh37 (hg19) VCF-style: chr17-7803322-G-A.
Other names: c.2830G>A, p.Ala944Thr (NM_001005271.3); c.2653G>A, p.Ala885Thr (NM_005852.4); short protein forms A944T, A885T.
Identifiers: ClinVar variation 3780969 (VCV003780969.1).
Genomic context (GRCh38, chr17:7,900,004, plus strand): 5'-ATCACCATTGATCAGGCAGCACTTGGTTCCATCCGCTGGGCCTGTCTTGTGGTAGATGAG[G>A]CCCATCGACTCAAGAACAACCAGTCCAAGGTGAGTGAGGTTTCCAGACCTAAAAAACTTG-3'
Protein context (NP_001005273.1, residues 875-895): IRWACLVVDE[Ala885Thr]HRLKNNQSKF

ClinVar aggregate classification (germline): Pathogenic (1 of 4 stars; one submission).

Conditions:
Snijders Blok-Campeau syndrome. Also called: INTELLECTUAL DEVELOPMENTAL DISORDER WITH MACROCEPHALY, SPEECH DELAY, AND DYSMORPHIC FACIES. Identifiers: Orphanet 599082, MedGen C4748701, MONDO:0032600, OMIM 618205.

Submission:

Molecular Genetics Laboratory, Motol Hospital
Classification: Pathogenic for Snijders Blok-Campeau syndrome. Last evaluated: 2025-04-15. Review status: criteria provided, single submitter. Criteria: ACMG Guidelines, 2015. Collection method: clinical testing. Allele origin: de novo. Affected: yes. Observed: 1 variant allele.
Comment: Rare variant not present in ClinVar, not present in gnomAD (4.1.0), not in non-Finnish European population (PM2). Located in a mutational hot spot in the exon 16 of the CHD3 gene (PM1). Rare de novo variants in the CHD3 gene (MIM:602120) are a cause of "Snijders Blok-Campeau syndrome" (MIM:618205; PMID:30397230;PMID:32483341). Therefore, this variant is classified as pathogenic. Note: Detected together with another de novo variant NM_001080517.3(SETD5):c.2231A>G as the second likely causative variant which may contribute to the phenotypic manifestation.

Literature cited by the submitters: PubMed 30397230; PubMed 32483341.